The following is an entry in ClinVar:

ClinVar aggregate classification (germline): Uncertain significance (1 of 4 stars; one submission).

Conditions:
Familial hypobetalipoproteinemia 1. Also called: APOB-Related Familial Hypobetalipoproteinemia; Hypobetalipoproteinemia, normotriglyceridemic; Acanthocytosis with hypobetalipoproteinemia. Identifiers: MedGen C4551990, MONDO:0014252, OMIM 615558.
Hypercholesterolemia, autosomal dominant, type B (FHCL2). Also called: Familial Hypercholesterolemia Type B; APOLIPOPROTEIN B-100, FAMILIAL DEFECTIVE; APOLIPOPROTEIN B-100, FAMILIAL LIGAND-DEFECTIVE; HYPERCHOLESTEROLEMIA, FAMILIAL, DUE TO LIGAND-DEFECTIVE APOLIPOPROTEIN B; Familial hypercholesterolemia 2; Hyperlipoproteinemia Type IIb. Identifiers: MedGen C1704417, MONDO:0007751, OMIM 144010.

Allele frequency attached by ClinVar (database versions not stated): gnomAD exomes below 0.00001.
gnomAD v4.1: 1 of 1,613,792 alleles (0.000062%); highest among the groups gnomAD compares: Non-Finnish European, 0.000085%; no homozygotes.

Submission:

Labcorp Genetics (formerly Invitae), Labcorp
Classification: Uncertain significance for Familial hypobetalipoproteinemia 1; Hypercholesterolemia, autosomal dominant, type B. Last evaluated: 2020-12-07. Review status: criteria provided, single submitter. Criteria: Invitae Variant Classification Sherloc (09022015). Collection method: clinical testing. Allele origin: germline.
Comment: This sequence change replaces serine with proline at codon 4244 of the APOB protein (p.Ser4244Pro). The serine residue is moderately conserved and there is a moderate physicochemical difference between serine and proline. This variant is not present in population databases (ExAC no frequency). This variant has not been reported in the literature in individuals with APOB-related conditions. Algorithms developed to predict the effect of missense changes on protein structure and function are either unavailable or do not agree on the potential impact of this missense change (SIFT: "Deleterious"; PolyPhen-2: "Possibly Damaging"; Align-GVGD: "Class C0"). In summary, the available evidence is currently insufficient to determine the role of this variant in disease. Therefore, it has been classified as a Variant of Uncertain Significance.

NM_000384.3(APOB):c.12730T>C (p.Ser4244Pro)

Gene: APOB (apolipoprotein B; minus strand). Cytogenetic location: 2p24.1.
Variant type: single nucleotide variant.
Coding change: c.12730T>C on transcript NM_000384.3 (MANE Select); coding-DNA position 12730, T replaced by C.
Protein change: p.Ser4244Pro; replaces serine 4244 with proline.
Molecular consequence: missense variant.
Genome position (GRCh38, 1-based): chr2:21,002,692, A>G on the plus strand (T>C on the coding strand, the complement: APOB is on the minus strand). VCF-style: chr2-21002692-A-G. GRCh37 (hg19) VCF-style: chr2-21225564-A-G.
Other names: short protein forms S4244P.
Identifiers: ClinVar variation 1493094 (VCV001493094.8), dbSNP rs2103347505, ClinGen allele CA345970605.
Genomic context (GRCh38, chr2:21,002,692, plus strand): 5'-CTATTAGTTTATGTTTCCTTAACTCGAAAGGAAGTGTAATCACTAGGTCTTGGAAATAGG[A>G]AAACAGTATTTCTGAACCATTATGGACTTTCGAATATACCTGGGACAGTACCGTCCCTAC-3'
Protein context (NP_000375.3, residues 4234-4254): KVHNGSEILF[Ser4244Pro]YFQDLVITLP